The following is an entry in ClinVar:

ClinVar aggregate classification (germline): Uncertain significance. Review status: criteria provided, multiple submitters, no conflicts (2 of 4 stars). 4 submissions from 4 submitters: Uncertain significance (4). Last evaluated 2026-06-07.

Conditions:
Inborn genetic diseases. Identifiers: MedGen C0950123, MeSH D030342.
Brown-Vialetto-van Laere syndrome 2. Also called: SPINOCEREBELLAR ATAXIA WITH BLINDNESS AND DEAFNESS 2; Riboflavin transporter deficiency type 2. Identifiers: Orphanet 572543, Orphanet 97229, MedGen C3553538, MONDO:0013867, OMIM 614707.
SLC52A2-related disorder. Also called: SLC52A2-related condition.

Allele frequency attached by ClinVar (database versions not stated): TOPMed 0.00002.
gnomAD v4.1: 96 of 1,608,046 alleles (0.006%); highest among the groups gnomAD compares: Middle Eastern, 0.033%; no homozygotes.

Submissions (4):

PreventionGenetics, part of Exact Sciences
Classification: Uncertain significance for SLC52A2-related condition. Last evaluated: 2026-06-07. Review status: criteria provided, single submitter. Criteria: ACMG Guidelines, 2015. Collection method: clinical testing. Allele origin: germline.
Comment: The SLC52A2 c.889G>T variant is predicted to result in the amino acid substitution p.Val297Leu. To our knowledge, this variant has not been reported in the literature. This variant is reported in 0.031% of alleles in individuals of Latino descent in gnomAD. At this time, the clinical significance of this variant is uncertain due to the absence of conclusive functional and genetic evidence.

Blueprint Genetics
Classification: Uncertain significance. Last evaluated: 2024-11-27. Review status: criteria provided, single submitter. Criteria: ACMG Guidelines, 2015. Collection method: clinical testing. Allele origin: germline.

Ambry Genetics
Classification: Uncertain significance for Inborn genetic diseases. Last evaluated: 2024-08-20. Review status: criteria provided, single submitter. Criteria: Ambry Variant Classification Scheme 2023. Collection method: clinical testing. Allele origin: germline.

Labcorp Genetics (formerly Invitae), Labcorp
Classification: Uncertain significance for Brown-Vialetto-van Laere syndrome 2. Last evaluated: 2022-08-16. Review status: criteria provided, single submitter. Criteria: Invitae Variant Classification Sherloc (09022015). Collection method: clinical testing. Allele origin: germline.
Comment: This sequence change replaces valine, which is neutral and non-polar, with leucine, which is neutral and non-polar, at codon 297 of the SLC52A2 protein (p.Val297Leu). This variant is present in population databases (rs782725706, gnomAD 0.03%). This variant has not been reported in the literature in individuals affected with SLC52A2-related conditions. ClinVar contains an entry for this variant (Variation ID: 647975). Algorithms developed to predict the effect of missense changes on protein structure and function (SIFT, PolyPhen-2, Align-GVGD) all suggest that this variant is likely to be disruptive. Algorithms developed to predict the effect of sequence changes on RNA splicing suggest that this variant may create or strengthen a splice site. In summary, the available evidence is currently insufficient to determine the role of this variant in disease. Therefore, it has been classified as a Variant of Uncertain Significance.

NM_001363118.2(SLC52A2):c.889G>T (p.Val297Leu)

Gene: SLC52A2 (solute carrier family 52 member 2; plus strand). Cytogenetic location: 8q24.3.
Variant type: single nucleotide variant.
Coding change: c.889G>T on transcript NM_001363118.2 (MANE Select); coding-DNA position 889, G replaced by T.
Protein change: p.Val297Leu; replaces valine 297 with leucine.
Molecular consequence: missense variant. On other transcripts: non-coding transcript variant (1).
Genome position (GRCh38, 1-based): chr8:144,360,381, G>T. VCF-style: chr8-144360381-G-T. GRCh37 (hg19) VCF-style: chr8-145584041-G-T.
Other names: c.889G>T, p.Val297Leu (NM_001363120.2, NM_001363121.2, NM_024531.5 and 2 more transcripts); c.397G>T, p.Val133Leu (NM_001363122.2); c.889G>T (NM_024531.3, NM_001253816.1); short protein forms V297L, V133L.
Identifiers: ClinVar variation 647975 (VCV000647975.9), dbSNP rs782725706, ClinGen allele CA4938302.